The following is an entry in ClinVar:

NM_001291303.3(FAT4):c.3311A>G (p.Asn1104Ser)

Gene: FAT4 (FAT atypical cadherin 4; plus strand). Cytogenetic location: 4q28.1.
Variant type: single nucleotide variant.
Coding change: c.3311A>G on transcript NM_001291303.3 (MANE Select); coding-DNA position 3311, A replaced by G.
Protein change: p.Asn1104Ser; replaces asparagine 1104 with serine.
Molecular consequence: missense variant. On other transcripts: intron variant (1).
Genome position (GRCh38, 1-based): chr4:125,319,722, A>G. VCF-style: chr4-125319722-A-G. GRCh37 (hg19) VCF-style: chr4-126240877-A-G.
Other names: c.3311A>G, p.Asn1104Ser (NM_001291285.3, NM_001438396.1, NM_001438397.1 and 1 more transcripts); c.-55+3745A>G (NM_001437895.1); short protein forms N1104S.
Identifiers: ClinVar variation 4753828 (VCV004753828.1).
Genomic context (GRCh38, chr4:125,319,722, plus strand): 5'-TGAATGTTACTGTAATTTTAGAAGATGTAAATGATAACAGACCTCTTTTTAACAGTACCA[A>G]TTACACATTTTACTTCGAAGAAGAGCAGAGGGCTGGGTCGTTTGTGGGCAAAGTAAGTGC-3'
Protein context (NP_001278232.1, residues 1094-1114): NDNRPLFNST[Asn1104Ser]YTFYFEEEQR

ClinVar aggregate classification (germline): Uncertain significance (1 of 4 stars; one submission).

gnomAD v4.1: 5 of 1,614,142 alleles (0.00031%); highest among the groups gnomAD compares: African/African-American, 0.0013%; no homozygotes.

Submission:

Labcorp Genetics (formerly Invitae), Labcorp
Classification: Uncertain significance. Last evaluated: 2025-11-05. Review status: criteria provided, single submitter. Criteria: Invitae Variant Classification Sherloc (09022015). Collection method: clinical testing. Allele origin: germline.
Comment: This sequence change replaces asparagine, which is neutral and polar, with serine, which is neutral and polar, at codon 1104 of the FAT4 protein (p.Asn1104Ser). This variant is present in population databases (rs752141714, gnomAD 0.007%). This variant has not been reported in the literature in individuals affected with FAT4-related conditions. Invitae Evidence Modeling of protein sequence and biophysical properties (such as structural, functional, and spatial information, amino acid conservation, physicochemical variation, residue mobility, and thermodynamic stability) indicates that this missense variant is not expected to disrupt FAT4 protein function with a negative predictive value of 80%. In summary, the available evidence is currently insufficient to determine the role of this variant in disease. Therefore, it has been classified as a Variant of Uncertain Significance.